The following is an entry in ClinVar:

NM_170707.4(LMNA):c.127G>A (p.Ala43Thr)

Gene: LMNA (lamin A/C; plus strand). Cytogenetic location: 1q22.
Variant type: single nucleotide variant.
Coding change: c.127G>A on transcript NM_170707.4 (MANE Select); coding-DNA position 127, G replaced by A.
Protein change: p.Ala43Thr; replaces alanine 43 with threonine.
Molecular consequence: missense variant.
Genome position (GRCh38, 1-based): chr1:156,115,045, G>A. VCF-style: chr1-156115045-G-A. GRCh37 (hg19) VCF-style: chr1-156084836-G-A.
Other names: c.127G>A, p.Ala43Thr (NM_001282625.2, NM_001282626.2, NM_005572.4 and 1 more transcripts); short protein forms A43T.
Identifiers: ClinVar variation 66799 (VCV000066799.16), dbSNP rs60446065, ClinGen allele CA016942.

ClinVar aggregate classification (germline): Conflicting classifications of pathogenicity. Review status: criteria provided, conflicting classifications (1 of 4 stars). 4 submissions from 4 submitters: Pathogenic (1); Likely pathogenic (1); Uncertain significance (1). 1 of the submissions does not count toward it. Last evaluated 2024-02-26.

Conditions:
Charcot-Marie-Tooth disease type 2. Also called: Charcot-Marie-Tooth type 2. Identifiers: Orphanet 64746, MedGen C0270914, MONDO:0018993.

Allele frequency attached by ClinVar (database versions not stated): gnomAD exomes below 0.00001.

Submissions (4):

Labcorp Genetics (formerly Invitae), Labcorp
Classification: Pathogenic for Charcot-Marie-Tooth disease type 2. Last evaluated: 2024-02-26. Review status: criteria provided, single submitter. Criteria: Invitae Variant Classification Sherloc (09022015). Collection method: clinical testing. Allele origin: germline.
Comment: This sequence change replaces alanine, which is neutral and non-polar, with threonine, which is neutral and polar, at codon 43 of the LMNA protein (p.Ala43Thr). This variant is not present in population databases (gnomAD no frequency). This missense change has been observed in individual(s) with clinical features of muscular dystrophy (PMID: 11503164; Invitae). In at least one individual the variant was observed to be de novo. ClinVar contains an entry for this variant (Variation ID: 66799). Advanced modeling of protein sequence and biophysical properties (such as structural, functional, and spatial information, amino acid conservation, physicochemical variation, residue mobility, and thermodynamic stability) performed at Invitae indicates that this missense variant is expected to disrupt LMNA protein function with a positive predictive value of 95%. Experimental studies have shown that this missense change affects LMNA function (PMID: 34862408). This variant disrupts the p.Ala43 amino acid residue in LMNA. Other variant(s) that disrupt this residue have been observed in individuals with LMNA-related conditions (PMID: 28688748), which suggests that this may be a clinically significant amino acid residue. For these reasons, this variant has been classified as Pathogenic.

Eurofins Ntd Llc (ga)
Classification: Uncertain significance. Last evaluated: 2018-04-03. Review status: criteria provided, single submitter. Criteria: EGL ClinVar v180209 classification definitions. Collection method: clinical testing. Allele origin: germline. Observed: 1 variant allele, 1 heterozygote.

GeneDx
Classification: Likely pathogenic. Last evaluated: 2017-01-10. Review status: criteria provided, single submitter. Criteria: GeneDx Variant Classification (06012015). Collection method: clinical testing. Allele origin: germline. Affected: yes.
Comment: The A43T variant has been reported previously in an individual with Emery-Dreifuss muscular dystrophy (EDMD) type 2 who was heterozygous for this change and did not have another identifiable LMNA variant; however, information about parental testing was not provided and functional characterization of the variant was not performed (Brown et al., 2001). It was not observed in approximately 6,500 individuals of European and African American ancestry in the NHLBI Exome Sequencing Project, indicating it is not a common benign variant in these populations. The A43T variant is a non-conservative amino acid substitution, which is likely to impact secondary protein structure as these residues differ in polarity, charge, size and/or other properties. Additionally, this substitution occurs at a position that is conserved across species, and in silico analysis predicts this variant is probably damaging to the protein structure/function. Furthermore, multiple missense variants in nearby residues have been reported in the Human Gene Mutation Database in association with LMNA-related disorders (Stenson et al., 2014), supporting the functional importance of this region of the protein. Therefore, this variant is likely pathogenic; however, the possibility that it is benign cannot be excluded.

Epithelial Biology;  Institute of Medical Biology, Singapore
No classification provided. Review status: no classification provided. Collection method: not provided. Allele origin: not provided. Not counted in ClinVar's aggregate classification.

Literature cited by the submitters: PubMed 11503164 (cited by Labcorp Genetics (formerly Invitae), Labcorp and Eurofins Ntd Llc (ga)); PubMed 34862408 (cited by Labcorp Genetics (formerly Invitae), Labcorp); PubMed 28688748 (cited by Labcorp Genetics (formerly Invitae), Labcorp).